The following is an entry in ClinVar:

NM_001414.4(EIF2B1):c.355A>C (p.Ile119Leu)

Gene: EIF2B1 (eukaryotic translation initiation factor 2B subunit alpha; minus strand). Cytogenetic location: 12q24.31.
Variant type: single nucleotide variant.
Coding change: c.355A>C on transcript NM_001414.4 (MANE Select); coding-DNA position 355, A replaced by C.
Protein change: p.Ile119Leu; replaces isoleucine 119 with leucine.
Molecular consequence: missense variant.
Genome position (GRCh38, 1-based): chr12:123,630,183, T>G on the plus strand (A>C on the coding strand, the complement: EIF2B1 is on the minus strand). VCF-style: chr12-123630183-T-G. GRCh37 (hg19) VCF-style: chr12-124114730-T-G.
Other names: p.Ile119Leu; short protein forms I119L.
Identifiers: ClinVar variation 3380131 (VCV003380131.1).

ClinVar aggregate classification (germline): Uncertain significance (1 of 4 stars; one submission).

Submission:

Mayo Clinic Laboratories, Mayo Clinic
Classification: Uncertain significance. Last evaluated: 2024-07-10. Review status: criteria provided, single submitter. Criteria: ACMG Guidelines, 2015. Collection method: clinical testing. Allele origin: germline. Observed: 1 variant allele.
Comment: PM2